The following is an entry in ClinVar:

ClinVar aggregate classification (germline): Uncertain significance (1 of 4 stars; one submission).

Allele frequency attached by ClinVar (database versions not stated): gnomAD exomes below 0.00001; TOPMed below 0.00001; ExAC 0.00001.
gnomAD v4.1: 4 of 1,613,778 alleles (0.00025%); highest among the groups gnomAD compares: South Asian, 0.0044%; no homozygotes.

Submission:

Labcorp Genetics (formerly Invitae), Labcorp
Classification: Uncertain significance. Last evaluated: 2026-01-19. Review status: criteria provided, single submitter. Criteria: Invitae Variant Classification Sherloc (09022015). Collection method: clinical testing. Allele origin: germline.
Comment: This sequence change replaces leucine, which is neutral and non-polar, with proline, which is neutral and non-polar, at codon 94 of the MYLK3 protein (p.Leu94Pro). This variant is present in population databases (rs774862265, gnomAD 0.007%). This variant has not been reported in the literature in individuals affected with MYLK3-related conditions. ClinVar contains an entry for this variant (Variation ID: 2416833). An algorithm developed to predict the effect of missense changes on protein structure and function (PolyPhen-2) suggests that this variant is likely to be disruptive. In summary, the available evidence is currently insufficient to determine the role of this variant in disease. Therefore, it has been classified as a Variant of Uncertain Significance.

NM_182493.3(MYLK3):c.281T>C (p.Leu94Pro)

Gene: MYLK3 (myosin light chain kinase 3; minus strand). Cytogenetic location: 16q11.2.
Variant type: single nucleotide variant.
Coding change: c.281T>C on transcript NM_182493.3 (MANE Select); coding-DNA position 281, T replaced by C.
Protein change: p.Leu94Pro; replaces leucine 94 with proline.
Molecular consequence: missense variant. On other transcripts: intron variant (1).
Genome position (GRCh38, 1-based): chr16:46,747,913, A>G on the plus strand (T>C on the coding strand, the complement: MYLK3 is on the minus strand). VCF-style: chr16-46747913-A-G. GRCh37 (hg19) VCF-style: chr16-46781825-A-G.
Other names: c.-113-7766T>C (NM_001308301.1); short protein forms L94P.
Identifiers: ClinVar variation 2416833 (VCV002416833.5), dbSNP rs774862265, ClinGen allele CA8038286.